The following is an entry in ClinVar:

NM_001369369.1(FOXN1):c.466G>A (p.Glu156Lys)

Gene: FOXN1 (forkhead box N1; plus strand). Cytogenetic location: 17q11.2.
Variant type: single nucleotide variant.
Coding change: c.466G>A on transcript NM_001369369.1 (MANE Select); coding-DNA position 466, G replaced by A.
Protein change: p.Glu156Lys; replaces glutamic acid 156 with lysine.
Molecular consequence: missense variant.
Genome position (GRCh38, 1-based): chr17:28,524,845, G>A. VCF-style: chr17-28524845-G-A. GRCh37 (hg19) VCF-style: chr17-26851863-G-A.
Other names: c.466G>A, p.Glu156Lys (NM_003593.3); c.466G>A (NM_003593.2); short protein forms E156K.
Identifiers: ClinVar variation 1019858 (VCV001019858.4), dbSNP rs572543201, ClinGen allele CA8459236.

ClinVar aggregate classification (germline): Uncertain significance. Review status: criteria provided, multiple submitters, no conflicts (2 of 4 stars). 2 submissions from 2 submitters: Uncertain significance (2). Last evaluated 2024-09-02.

Conditions:
Inborn genetic diseases. Identifiers: MedGen C0950123, MeSH D030342.
T-cell immunodeficiency, congenital alopecia, and nail dystrophy. Also called: Congenital alopecia and nail dystrophy associated with severe functional T-cell immunodeficiency; Pignata Guarino syndrome. Identifiers: Orphanet 169095, MedGen C1866426, MONDO:0011132, OMIM 601705.

Allele frequency attached by ClinVar (database versions not stated): gnomAD below 0.00001 and 0.00004; TOPMed 0.00001; 1000 Genomes Project 30x 0.00016; gnomAD exomes 0.00016; ExAC 0.00017; 1000 Genomes Project 0.00020.

Submissions (2):

Labcorp Genetics (formerly Invitae), Labcorp
Classification: Uncertain significance for T-cell immunodeficiency, congenital alopecia, and nail dystrophy. Last evaluated: 2024-09-02. Review status: criteria provided, single submitter. Criteria: Invitae Variant Classification Sherloc (09022015). Collection method: clinical testing. Allele origin: germline.
Comment: This sequence change replaces glutamic acid, which is acidic and polar, with lysine, which is basic and polar, at codon 156 of the FOXN1 protein (p.Glu156Lys). This variant is present in population databases (rs572543201, gnomAD 0.1%). This variant has not been reported in the literature in individuals affected with FOXN1-related conditions. ClinVar contains an entry for this variant (Variation ID: 1019858). Invitae Evidence Modeling of protein sequence and biophysical properties (such as structural, functional, and spatial information, amino acid conservation, physicochemical variation, residue mobility, and thermodynamic stability) indicates that this missense variant is not expected to disrupt FOXN1 protein function with a negative predictive value of 80%. In summary, the available evidence is currently insufficient to determine the role of this variant in disease. Therefore, it has been classified as a Variant of Uncertain Significance.

Ambry Genetics
Classification: Uncertain significance for Inborn genetic diseases. Last evaluated: 2024-01-24. Review status: criteria provided, single submitter. Criteria: Ambry Variant Classification Scheme 2023. Collection method: clinical testing. Allele origin: germline.